The following is an entry in ClinVar:

ClinVar aggregate classification (germline): Uncertain significance (1 of 4 stars; one submission).

Conditions:
Fanconi anemia complementation group J. Also called: BRIP1-Related Fanconi Anemia. Identifiers: Orphanet 84, MedGen C1836860, MONDO:0012187, OMIM 609054.
Familial cancer of breast. Also called: BREAST CANCER, FAMILIAL; hereditary breast carcinoma; Hereditary breast cancer. Identifiers: Orphanet 227535, MedGen C0346153, MONDO:0016419, OMIM 114480. Disease mechanism: loss of function.

Submission:

Labcorp Genetics (formerly Invitae), Labcorp
Classification: Uncertain significance for Familial cancer of breast; Fanconi anemia complementation group J. Last evaluated: 2017-04-06. Review status: criteria provided, single submitter. Criteria: Invitae Variant Classification Sherloc (09022015). Collection method: clinical testing. Allele origin: germline.
Comment: In summary, this variant is a novel missense change with uncertain impact on protein function. It has been classified as a Variant of Uncertain Significance. Algorithms developed to predict the effect of missense changes on protein structure and function do not agree on the potential impact of this missense change (SIFT: "Tolerated"; PolyPhen-2: "Possibly Damaging"; Align-GVGD: "Class C0"). This variant is not present in population databases (ExAC no frequency) and has not been reported in the literature in individuals with a BRIP1-related disease. This sequence change replaces methionine with isoleucine at codon 480 of the BRIP1 protein (p.Met480Ile). The methionine residue is moderately conserved and there is a small physicochemical difference between methionine and isoleucine.

NM_032043.3(BRIP1):c.1440G>C (p.Met480Ile)

Gene: BRIP1 (BRCA1 interacting DNA helicase 1; minus strand). Cytogenetic location: 17q23.2.
Variant type: single nucleotide variant.
Coding change: c.1440G>C on transcript NM_032043.3 (MANE Select); coding-DNA position 1440, G replaced by C.
Protein change: p.Met480Ile; replaces methionine 480 with isoleucine.
Molecular consequence: missense variant.
Genome position (GRCh38, 1-based): chr17:61,793,630, C>G on the plus strand (G>C on the coding strand, the complement: BRIP1 is on the minus strand). VCF-style: chr17-61793630-C-G. GRCh37 (hg19) VCF-style: chr17-59870991-C-G.
Other names: short protein forms M480I.
Identifiers: ClinVar variation 461073 (VCV000461073.9), dbSNP rs1555605887, ClinGen allele CA400482096.